The following is an entry in ClinVar:

ClinVar aggregate classification (germline): Uncertain significance. Review status: criteria provided, multiple submitters, no conflicts (2 of 4 stars). 5 submissions from 5 submitters: Uncertain significance (5). Last evaluated 2025-09-30.

Conditions:
Cardiomyopathy (CMYO). Also called: Cardiomyopathies. Identifiers: Orphanet 167848, MedGen C0878544, MONDO:0004994, HP:0001638. Inheritance: Various modes of inheritance.
Cardiovascular phenotype. Identifiers: MedGen CN230736.
Catecholaminergic polymorphic ventricular tachycardia (CVPT). Also called: Catecholamine-induced polymorphic ventricular tachycardia. Identifiers: Orphanet 3286, MedGen C5574922, MONDO:0017990.
Catecholaminergic polymorphic ventricular tachycardia 1. Also called: VENTRICULAR TACHYCARDIA, STRESS-INDUCED POLYMORPHIC 1; VENTRICULAR TACHYCARDIA, CATECHOLAMINERGIC POLYMORPHIC, 1, WITH OR WITHOUT ATRIAL DYSFUNCTION AND/OR DILATED CARDIOMYOPATHY; RYR2-Related Catecholaminergic Polymorphic Ventricular Tachycardia. Identifiers: Orphanet 3286, MedGen C1631597, MONDO:0011484, OMIM 604772.

Allele frequency attached by ClinVar (database versions not stated): gnomAD exomes below 0.00001; gnomAD 0.00001; TOPMed 0.00001.
gnomAD v4.1: 5 of 1,613,846 alleles (0.00031%); highest among the groups gnomAD compares: Admixed American, 0.0017%; no homozygotes.

Submissions (5):

Labcorp Genetics (formerly Invitae), Labcorp
Classification: Uncertain significance for Catecholaminergic polymorphic ventricular tachycardia 1. Last evaluated: 2025-09-30. Review status: criteria provided, single submitter. Criteria: Invitae Variant Classification Sherloc (09022015). Collection method: clinical testing. Allele origin: germline.
Comment: This sequence change replaces tyrosine, which is neutral and polar, with cysteine, which is neutral and slightly polar, at codon 1236 of the RYR2 protein (p.Tyr1236Cys). This variant is present in population databases (no rsID available, gnomAD 0.003%). This variant has not been reported in the literature in individuals affected with RYR2-related conditions. ClinVar contains an entry for this variant (Variation ID: 1171315). Invitae Evidence Modeling of protein sequence and biophysical properties (such as structural, functional, and spatial information, amino acid conservation, physicochemical variation, residue mobility, and thermodynamic stability) has been performed for this missense variant. However, the output from this modeling did not meet the statistical confidence thresholds required to predict the impact of this variant on RYR2 protein function. In summary, the available evidence is currently insufficient to determine the role of this variant in disease. Therefore, it has been classified as a Variant of Uncertain Significance.

Molecular Diagnostic Laboratory for Inherited Cardiovascular Disease, Montreal Heart Institute
Classification: Uncertain significance for Cardiovascular phenotype. Last evaluated: 2025-04-09. Review status: criteria provided, single submitter. Criteria: ACMG Guidelines, 2015. Collection method: clinical testing. Allele origin: germline. Affected: yes.
Comment: PM2, PP2, PP3

All of Us Research Program, National Institutes of Health
Classification: Uncertain significance for Catecholaminergic polymorphic ventricular tachycardia. Last evaluated: 2024-08-06. Review status: criteria provided, single submitter. Criteria: ACMG Guidelines, 2015. Collection method: clinical testing. Allele origin: germline. Inheritance: Autosomal dominant inheritance. Observed: 2 variant alleles, 2 heterozygotes.
Comment: This missense variant replaces tyrosine with cysteine at codon 1236 of the RYR2 protein. Computational prediction is inconclusive regarding the impact of this variant on protein structure and function (internally defined REVEL score threshold 0.5 < inconclusive < 0.7, PMID: 27666373). To our knowledge, functional studies have not been reported for this variant. This variant has not been reported in individuals affected with cardiovascular disorders in the literature. This variant has been identified in 1/249070 chromosomes in the general population by the Genome Aggregation Database (gnomAD). The available evidence is insufficient to determine the role of this variant in disease conclusively. Therefore, this variant is classified as a Variant of Uncertain Significance.

This study involves interpretation of variants in research participants for the purpose of population health screening. Participant phenotype was not available at the time of variant classification. Additional details can be found in publication PMID: 35346344, PMCID: PMC8962531

Color Diagnostics, LLC DBA Color Health
Classification: Uncertain significance for Cardiomyopathy. Last evaluated: 2024-03-07. Review status: criteria provided, single submitter. Criteria: ACMG Guidelines, 2015. Collection method: clinical testing. Allele origin: germline.
Comment: This missense variant replaces tyrosine with cysteine at codon 1236 of the RYR2 protein. Computational prediction is inconclusive regarding the impact of this variant on protein structure and function. To our knowledge, functional studies have not been reported for this variant. This variant has not been reported in individuals affected with cardiovascular disorders in the literature. This variant has been identified in 1/249070 chromosomes in the general population by the Genome Aggregation Database (gnomAD). The available evidence is insufficient to determine the role of this variant in disease conclusively. Therefore, this variant is classified as a Variant of Uncertain Significance.

GeneDx
Classification: Uncertain significance. Last evaluated: 2023-09-29. Review status: criteria provided, single submitter. Criteria: GeneDx Variant Classification Process June 2021. Collection method: clinical testing. Allele origin: germline. Affected: yes.
Comment: Has not been previously published as pathogenic or benign to our knowledge; Not observed at significant frequency in large population cohorts (gnomAD); In silico analysis supports that this missense variant has a deleterious effect on protein structure/function; This variant is associated with the following publications: (PMID: 19926015)

NM_001035.3(RYR2):c.3707A>G (p.Tyr1236Cys)

Gene: RYR2 (ryanodine receptor 2; plus strand). Cytogenetic location: 1q43.
Variant type: single nucleotide variant.
Coding change: c.3707A>G on transcript NM_001035.3 (MANE Select); coding-DNA position 3707, A replaced by G.
Protein change: p.Tyr1236Cys; replaces tyrosine 1236 with cysteine.
Molecular consequence: missense variant.
Genome position (GRCh38, 1-based): chr1:237,589,901, A>G. VCF-style: chr1-237589901-A-G. GRCh37 (hg19) VCF-style: chr1-237753201-A-G.
Other names: c.3707A>G (NM_001035.2); short protein forms Y1236C.
Identifiers: ClinVar variation 1171315 (VCV001171315.14), dbSNP rs1421115838, ClinGen allele CA345396365.